The following is an entry in ClinVar:

NM_021975.4(RELA):c.1325A>C (p.Gln442Pro)

Gene: RELA (RELA proto-oncogene, NF-kB subunit; minus strand). Cytogenetic location: 11q13.1.
Variant type: single nucleotide variant.
Coding change: c.1325A>C on transcript NM_021975.4 (MANE Select); coding-DNA position 1325, A replaced by C.
Protein change: p.Gln442Pro; replaces glutamine 442 with proline.
Molecular consequence: missense variant. On other transcripts: intron variant (1).
Genome position (GRCh38, 1-based): chr11:65,654,709, T>G on the plus strand (A>C on the coding strand, the complement: RELA is on the minus strand). VCF-style: chr11-65654709-T-G. GRCh37 (hg19) VCF-style: chr11-65422180-T-G.
Other names: c.1316A>C, p.Gln439Pro (NM_001145138.2); c.1118A>C, p.Gln373Pro (NM_001243984.2); c.1358A>C, p.Gln453Pro (NM_001404657.1); c.1298A>C, p.Gln433Pro (NM_001404658.1); c.1112A>C, p.Gln371Pro (NM_001404659.1); c.1007A>C, p.Gln336Pro (NM_001404660.1); c.944A>C, p.Gln315Pro (NM_001404661.1); c.1232A>C, p.Gln411Pro (NM_001404662.1, NM_001404663.1); and 1 more; short protein forms Q371P, Q442P, Q453P, Q336P, Q411P, Q439P, Q315P, Q373P.
Identifiers: ClinVar variation 2884656 (VCV002884656.4), dbSNP rs1477765782, ClinGen allele CA381387330.

ClinVar aggregate classification (germline): Uncertain significance. Review status: criteria provided, multiple submitters, no conflicts (2 of 4 stars). 2 submissions from 2 submitters: Uncertain significance (2). Last evaluated 2025-09-25.

Allele frequency attached by ClinVar (database versions not stated): gnomAD 0.00001; gnomAD exomes 0.00002; TOPMed 0.00002.
gnomAD v4.1: 15 of 1,540,008 alleles (0.00097%); highest among the groups gnomAD compares: Non-Finnish European, 0.0011%; no homozygotes.

Submissions (2):

Labcorp Genetics (formerly Invitae), Labcorp
Classification: Uncertain significance. Last evaluated: 2025-09-25. Review status: criteria provided, single submitter. Criteria: Invitae Variant Classification Sherloc (09022015). Collection method: clinical testing. Allele origin: germline.
Comment: This sequence change replaces glutamine, which is neutral and polar, with proline, which is neutral and non-polar, at codon 442 of the RELA protein (p.Gln442Pro). This variant is present in population databases (no rsID available, gnomAD 0.004%). This variant has not been reported in the literature in individuals affected with RELA-related conditions. ClinVar contains an entry for this variant (Variation ID: 2884656). An algorithm developed to predict the effect of missense changes on protein structure and function (PolyPhen-2) suggests that this variant is likely to be tolerated. In summary, the available evidence is currently insufficient to determine the role of this variant in disease. Therefore, it has been classified as a Variant of Uncertain Significance.

Blueprint Genetics
Classification: Uncertain significance. Last evaluated: 2022-10-26. Review status: criteria provided, single submitter. Criteria: ACMG Guidelines, 2015. Collection method: clinical testing. Allele origin: germline.